The following is an entry in ClinVar:

NM_014363.6(SACS):c.579G>A (p.Gly193=)

Gene: SACS (sacsin molecular chaperone; minus strand). Cytogenetic location: 13q12.12.
Variant type: single nucleotide variant.
Coding change: c.579G>A on transcript NM_014363.6 (MANE Select); coding-DNA position 579, G replaced by A.
Protein change: p.Gly193=; no amino-acid change (glycine 193 retained).
Molecular consequence: synonymous variant.
Genome position (GRCh38, 1-based): chr13:23,358,360, C>T on the plus strand (G>A on the coding strand, the complement: SACS is on the minus strand). VCF-style: chr13-23358360-C-T. GRCh37 (hg19) VCF-style: chr13-23932499-C-T.
Other names: c.138G>A, p.Gly46= (NM_001278055.2).
Identifiers: ClinVar variation 2643678 (VCV002643678.24), dbSNP rs2542415179, ClinGen allele CA482921976.

ClinVar aggregate classification (germline): Likely benign (1 of 4 stars; one submission).

Submission:

CeGaT Center for Human Genetics Tuebingen
Classification: Likely benign. Last evaluated: 2023-01-01. Review status: criteria provided, single submitter. Criteria: CeGaT Center For Human Genetics Tuebingen Variant Classification Criteria Version 2. Collection method: clinical testing. Allele origin: germline. Affected: yes. Observed: 1 variant allele.
Comment: SACS: PM2:Supporting, BP4, BP7